The following is an entry in ClinVar:

ClinVar aggregate classification (germline): Uncertain significance (1 of 4 stars; one submission).

Conditions:
Familial cancer of breast. Also called: BREAST CANCER, FAMILIAL; hereditary breast carcinoma; Hereditary breast cancer. Identifiers: Orphanet 227535, MedGen C0346153, MONDO:0016419, OMIM 114480. Disease mechanism: loss of function.

Submission:

Labcorp Genetics (formerly Invitae), Labcorp
Classification: Uncertain significance for Familial cancer of breast. Last evaluated: 2022-09-22. Review status: criteria provided, single submitter. Criteria: Invitae Variant Classification Sherloc (09022015). Collection method: clinical testing. Allele origin: germline.
Comment: This variant has not been reported in the literature in individuals affected with PALB2-related conditions. In summary, the available evidence is currently insufficient to determine the role of this variant in disease. Therefore, it has been classified as a Variant of Uncertain Significance. Advanced modeling of protein sequence and biophysical properties (such as structural, functional, and spatial information, amino acid conservation, physicochemical variation, residue mobility, and thermodynamic stability) performed at Invitae indicates that this missense variant is not expected to disrupt PALB2 protein function. This variant is not present in population databases (gnomAD no frequency). This sequence change replaces alanine, which is neutral and non-polar, with glycine, which is neutral and non-polar, at codon 995 of the PALB2 protein (p.Ala995Gly).

NM_024675.4(PALB2):c.2984C>G (p.Ala995Gly)

Gene: PALB2 (partner and localizer of BRCA2; minus strand). Cytogenetic location: 16p12.2.
Variant type: single nucleotide variant.
Coding change: c.2984C>G on transcript NM_024675.4 (MANE Select); coding-DNA position 2984, C replaced by G.
Protein change: p.Ala995Gly; replaces alanine 995 with glycine.
Molecular consequence: missense variant.
Genome position (GRCh38, 1-based): chr16:23,622,981, G>C on the plus strand (C>G on the coding strand, the complement: PALB2 is on the minus strand). VCF-style: chr16-23622981-G-C. GRCh37 (hg19) VCF-style: chr16-23634302-G-C.
Other names: c.2924C>G, p.Ala975Gly (NM_001407296.1); c.2912C>G, p.Ala971Gly (NM_001407297.1); c.2822C>G, p.Ala941Gly (NM_001407298.1, NM_001407302.1); c.2984C>G, p.Ala995Gly (NM_001407299.1, NM_001407301.1); c.2099C>G, p.Ala700Gly (NM_001407304.1, NM_001407305.1, NM_001407306.1 and 4 more transcripts); c.1937C>G, p.Ala646Gly (NM_001407307.1); c.1196C>G, p.Ala399Gly (NM_001407312.1, NM_001407313.1); c.518C>G, p.Ala173Gly (NM_001407314.1); short protein forms A173G, A399G, A646G, A700G, A941G, A971G, A975G, A995G.
Identifiers: ClinVar variation 1720071 (VCV001720071.5), dbSNP rs1567213581, ClinGen allele CA395143894.